The following is an entry in ClinVar:

ClinVar aggregate classification (germline): Uncertain significance. Review status: criteria provided, multiple submitters, no conflicts (2 of 4 stars). 2 submissions from 2 submitters: Uncertain significance (2). Last evaluated 2021-05-18.

Conditions:
Developmental and epileptic encephalopathy, 1 (DEE1). Also called: Epileptic encephalopathy, early infantile, 1; X-linked infantile spasms; West's syndrome; Tonic spasms with clustering, arrest of psychomotor development and hypsarrhythmia on EEG; X-Linked Infantile Spasm Syndrome; OHTAHARA SYNDROME, X-LINKED. Identifiers: MedGen C3463992, MONDO:0010632, OMIM 308350. Disease mechanism: loss of function.
Autosomal dominant nonsyndromic hearing loss 65. Also called: TBC1D24-Related Autosomal Dominant Nonsyndromic Hearing Loss (DFNA); Deafness, autosomal dominant 65. Identifiers: Orphanet 90635, MedGen C3892048, MONDO:0014470, OMIM 616044.
Familial infantile myoclonic epilepsy (FIME). Also called: Epilepsy, Myoclonic, Infantile; TBC1D24-Related Familial Infantile Myoclonic Epilepsy (FIME). Identifiers: Orphanet 352582, MedGen C0917800, MONDO:0011506, OMIM 605021.

Allele frequency attached by ClinVar (database versions not stated): gnomAD exomes 0.00001 and 0.00002; gnomAD 0.00003; TOPMed 0.00002.
gnomAD v4.1: 24 of 1,612,176 alleles (0.0015%); highest among the groups gnomAD compares: Non-Finnish European, 0.0019%; no homozygotes.

Submissions (2):

Labcorp Genetics (formerly Invitae), Labcorp
Classification: Uncertain significance for Developmental and epileptic encephalopathy, 1; Autosomal dominant nonsyndromic hearing loss 65. Last evaluated: 2021-05-18. Review status: criteria provided, single submitter. Criteria: Invitae Variant Classification Sherloc (09022015). Collection method: clinical testing. Allele origin: germline.
Comment: This variant has not been reported in the literature in individuals with TBC1D24-related conditions. ClinVar contains an entry for this variant (Variation ID: 318614). This variant is not present in population databases (ExAC no frequency). This sequence change replaces asparagine with lysine at codon 162 of the TBC1D24 protein (p.Asn162Lys). The asparagine residue is highly conserved and there is a moderate physicochemical difference between asparagine and lysine. Algorithms developed to predict the effect of missense changes on protein structure and function (SIFT, PolyPhen-2, Align-GVGD) all suggest that this variant is likely to be tolerated, but these predictions have not been confirmed by published functional studies and their clinical significance is uncertain. In summary, the available evidence is currently insufficient to determine the role of this variant in disease. Therefore, it has been classified as a Variant of Uncertain Significance. Algorithms developed to predict the effect of sequence changes on RNA splicing suggest that this variant may create or strengthen a splice site, but this prediction has not been confirmed by published transcriptional studies.

Illumina Laboratory Services, Illumina
Classification: Uncertain significance for Familial infantile myoclonic epilepsy. Last evaluated: 2018-01-13. Review status: criteria provided, single submitter. Criteria: ICSL Variant Classification Criteria 13 December 2019. Collection method: clinical testing. Allele origin: germline.

NM_001199107.2(TBC1D24):c.486T>A (p.Asn162Lys)

Gene: TBC1D24 (TBC1 domain family member 24; plus strand). Cytogenetic location: 16p13.3.
Variant type: single nucleotide variant.
Coding change: c.486T>A on transcript NM_001199107.2 (MANE Select); coding-DNA position 486, T replaced by A.
Protein change: p.Asn162Lys; replaces asparagine 162 with lysine.
Molecular consequence: missense variant.
Genome position (GRCh38, 1-based): chr16:2,496,634, T>A. VCF-style: chr16-2496634-T-A. GRCh37 (hg19) VCF-style: chr16-2546635-T-A.
Other names: c.486T>A, p.Asn162Lys (NM_020705.3); short protein forms N162K.
Identifiers: ClinVar variation 318614 (VCV000318614.12), dbSNP rs886051845, ClinGen allele CA10647225.